The following is an entry in ClinVar:

ClinVar aggregate classification (germline): Likely benign. Review status: criteria provided, multiple submitters, no conflicts (2 of 4 stars). 3 submissions from 3 submitters: Likely benign (2). 1 of the submissions does not count toward it. Last evaluated 2024-03-11.

Conditions:
GUCY2D-related disorder. Also called: GUCY2D-related condition.
Cone-rod dystrophy 6 (CORD6). Also called: Cone dystrophy progressive; RETINAL CONE DYSTROPHY 2. Identifiers: Orphanet 1872, MedGen C1866293, MONDO:0011143, OMIM 601777.
Leber congenital amaurosis 1 (LCA1). Also called: RETINAL BLINDNESS, CONGENITAL; Congenital absence of the rods and cones; Leber's congenital tapetoretinal degeneration; Leber's congenital tapetoretinal dysplasia; AMAUROSIS CONGENITA OF LEBER I. Identifiers: Orphanet 65, MedGen C2931258, MONDO:0008764, OMIM 204000.

Allele frequency attached by ClinVar (database versions not stated): gnomAD exomes 0.00001 and 0.00003; ExAC 0.00003; ESP Exome Variant Server 0.00008; TOPMed 0.00009; gnomAD 0.00011 and 0.00012.
gnomAD v4.1: 36 of 1,614,024 alleles (0.0022%); highest among the groups gnomAD compares: African/African-American, 0.041%; no homozygotes.

Submissions (3):

Labcorp Genetics (formerly Invitae), Labcorp
Classification: Likely benign for Leber congenital amaurosis 1; Cone-rod dystrophy 6. Last evaluated: 2024-03-11. Review status: criteria provided, single submitter. Criteria: Invitae Variant Classification Sherloc (09022015). Collection method: clinical testing. Allele origin: germline.

Blueprint Genetics
Classification: Likely benign. Last evaluated: 2021-09-09. Review status: criteria provided, single submitter. Criteria: ACMG Guidelines, 2015. Collection method: clinical testing. Allele origin: germline.

PreventionGenetics, part of Exact Sciences
Classification: Likely benign for GUCY2D-related condition. Last evaluated: 2019-11-01. Review status: no assertion criteria provided. Collection method: clinical testing. Allele origin: germline. Not counted in ClinVar's aggregate classification.
Comment: This variant is classified as likely benign based on ACMG/AMP sequence variant interpretation guidelines (Richards et al. 2015 PMID: 25741868, with internal and published modifications).

NM_000180.4(GUCY2D):c.2616G>A (p.Glu872=)

Gene: GUCY2D (guanylate cyclase 2D, retinal; plus strand). Cytogenetic location: 17p13.1.
Variant type: single nucleotide variant.
Coding change: c.2616G>A on transcript NM_000180.4 (MANE Select); coding-DNA position 2616, G replaced by A.
Protein change: p.Glu872=; no amino-acid change (glutamic acid 872 retained).
Molecular consequence: synonymous variant.
Genome position (GRCh38, 1-based): chr17:8,014,898, G>A. VCF-style: chr17-8014898-G-A. GRCh37 (hg19) VCF-style: chr17-7918216-G-A.
Other names: c.2616G>A (NM_000180.3).
Identifiers: ClinVar variation 1098001 (VCV001098001.12), dbSNP rs369035095, ClinGen allele CA8366179.